The following is an entry in ClinVar:

NM_004963.4(GUCY2C):c.1279C>T (p.Arg427Trp)

Genes: GUCY2C (guanylate cyclase 2C; minus strand), GUCY2C-AS1 (GUCY2C antisense RNA 1; plus strand). Cytogenetic location: 12p12.3.
Variant type: single nucleotide variant.
Coding change: c.1279C>T on transcript NM_004963.4 (MANE Select); coding-DNA position 1279, C replaced by T.
Protein change: p.Arg427Trp; replaces arginine 427 with tryptophan.
Molecular consequence: missense variant.
Genome position (GRCh38, 1-based): chr12:14,669,725, G>A on the plus strand (C>T on the coding strand, the complement: GUCY2C is on the minus strand). VCF-style: chr12-14669725-G-A. GRCh37 (hg19) VCF-style: chr12-14822659-G-A.
Other names: short protein forms R427W.
Identifiers: ClinVar variation 1511545 (VCV001511545.30), dbSNP rs150939711, ClinGen allele CA6463485.

ClinVar aggregate classification (germline): Conflicting classifications of pathogenicity. Review status: criteria provided, conflicting classifications (1 of 4 stars). 2 submissions from 2 submitters: Uncertain significance (1); Likely benign (1). Last evaluated 2026-02-01.

Allele frequency attached by ClinVar (database versions not stated): 1000 Genomes Project 0.00020; 1000 Genomes Project 30x 0.00031; TOPMed 0.00035; gnomAD 0.00036 and 0.00037; gnomAD exomes 0.00051; ExAC 0.00056; ESP Exome Variant Server 0.00069.
gnomAD v4.1: 817 of 1,488,556 alleles (0.055%); highest among the groups gnomAD compares: South Asian, 0.11%; 1 homozygote.

Submissions (2):

Labcorp Genetics (formerly Invitae), Labcorp
Classification: Uncertain significance. Last evaluated: 2026-02-01. Review status: criteria provided, single submitter. Criteria: Invitae Variant Classification Sherloc (09022015). Collection method: clinical testing. Allele origin: germline.
Comment: This sequence change replaces arginine, which is basic and polar, with tryptophan, which is neutral and slightly polar, at codon 427 of the GUCY2C protein (p.Arg427Trp). This variant is present in population databases (rs150939711, gnomAD 0.1%), and has an allele count higher than expected for a pathogenic variant. This variant has not been reported in the literature in individuals affected with GUCY2C-related conditions. ClinVar contains an entry for this variant (Variation ID: 1511545). Invitae Evidence Modeling of protein sequence and biophysical properties (such as structural, functional, and spatial information, amino acid conservation, physicochemical variation, residue mobility, and thermodynamic stability) indicates that this missense variant is not expected to disrupt GUCY2C protein function with a negative predictive value of 80%. In summary, the available evidence is currently insufficient to determine the role of this variant in disease. Therefore, it has been classified as a Variant of Uncertain Significance.

CeGaT Center for Human Genetics Tuebingen
Classification: Likely benign. Last evaluated: 2023-10-01. Review status: criteria provided, single submitter. Criteria: CeGaT Center For Human Genetics Tuebingen Variant Classification Criteria Version 2. Collection method: clinical testing. Allele origin: germline. Affected: yes. Observed: 1 variant allele.
Comment: GUCY2C: BP4